The following is an entry in ClinVar:

ClinVar aggregate classification (germline): Uncertain significance. Review status: criteria provided, multiple submitters, no conflicts (2 of 4 stars). 2 submissions from 2 submitters: Uncertain significance (2). Last evaluated 2025-01-16.

Conditions:
Cyclical neutropenia. Also called: Cyclic hematopoiesis; Cyclic Neutropenia. Identifiers: Orphanet 2686, MedGen C0221023, MONDO:0008090, OMIM 162800, HP:0040289. Disease mechanism: loss of function.
Neutropenia, severe congenital, 1, autosomal dominant. Identifiers: MedGen C1859966, MONDO:0042490, OMIM 202700.
Inborn genetic diseases. Identifiers: MedGen C0950123, MeSH D030342.

Allele frequency attached by ClinVar (database versions not stated): ExAC 0.00001.

Submissions (2):

Ambry Genetics
Classification: Uncertain significance for Inborn genetic diseases. Last evaluated: 2025-01-16. Review status: criteria provided, single submitter. Criteria: Ambry Variant Classification Scheme 2023. Collection method: clinical testing. Allele origin: germline.
Comment: The p.R163C variant (also known as c.487C>T), located in coding exon 4 of the ELANE gene, results from a C to T substitution at nucleotide position 487. The arginine at codon 163 is replaced by cysteine, an amino acid with highly dissimilar properties. This amino acid position is conserved. In addition, the in silico prediction for this alteration is inconclusive. Based on the available evidence, the clinical significance of this variant remains unclear.

Labcorp Genetics (formerly Invitae), Labcorp
Classification: Uncertain significance for Neutropenia, severe congenital, 1, autosomal dominant; Cyclical neutropenia. Last evaluated: 2022-03-05. Review status: criteria provided, single submitter. Criteria: Invitae Variant Classification Sherloc (09022015). Collection method: clinical testing. Allele origin: germline.
Comment: In summary, the available evidence is currently insufficient to determine the role of this variant in disease. Therefore, it has been classified as a Variant of Uncertain Significance. Algorithms developed to predict the effect of missense changes on protein structure and function are either unavailable or do not agree on the potential impact of this missense change (SIFT: "Deleterious"; PolyPhen-2: "Possibly Damaging"; Align-GVGD: "Class C15"). This variant has not been reported in the literature in individuals affected with ELANE-related conditions. This variant is present in population databases (rs759382746, gnomAD 0.003%). This sequence change replaces arginine, which is basic and polar, with cysteine, which is neutral and slightly polar, at codon 163 of the ELANE protein (p.Arg163Cys).

NM_001972.4(ELANE):c.487C>T (p.Arg163Cys)

Gene: ELANE (elastase, neutrophil expressed; plus strand). Cytogenetic location: 19p13.3.
Variant type: single nucleotide variant.
Coding change: c.487C>T on transcript NM_001972.4 (MANE Select); coding-DNA position 487, C replaced by T.
Protein change: p.Arg163Cys; replaces arginine 163 with cysteine.
Molecular consequence: missense variant.
Genome position (GRCh38, 1-based): chr19:855,684, C>T. VCF-style: chr19-855684-C-T. GRCh37 (hg19) VCF-style: chr19-855684-C-T.
Other names: short protein forms R163C.
Identifiers: ClinVar variation 2194249 (VCV002194249.5), dbSNP rs759382746, ClinGen allele CA9026071.
Genomic context (GRCh38, chr19:855,684, plus strand): 5'-CGCCGCCTGGGCAACGGGGTGCAGTGCCTGGCCATGGGCTGGGGCCTTCTGGGCAGGAAC[C>T]GTGGGATCGCCAGCGTCCTGCAGGAGCTCAACGTGACGGTGGTGACGTCCCTCTGCCGTC-3'
Protein context (NP_001963.1, residues 153-173): AMGWGLLGRN[Arg163Cys]GIASVLQELN